The following is an entry in ClinVar:

NM_003177.7(SYK):c.688G>A (p.Glu230Lys)

Gene: SYK (spleen associated tyrosine kinase; plus strand). Cytogenetic location: 9q22.2.
Variant type: single nucleotide variant.
Coding change: c.688G>A on transcript NM_003177.7 (MANE Select); coding-DNA position 688, G replaced by A.
Protein change: p.Glu230Lys; replaces glutamic acid 230 with lysine.
Molecular consequence: missense variant.
Genome position (GRCh38, 1-based): chr9:90,862,315, G>A. VCF-style: chr9-90862315-G-A. GRCh37 (hg19) VCF-style: chr9-93624597-G-A.
Other names: c.688G>A, p.Glu230Lys (NM_001135052.4, NM_001174167.3, NM_001174168.3); short protein forms E230K.
Identifiers: ClinVar variation 1683538 (VCV001683538.2), dbSNP rs200498885, ClinGen allele CA195328285.

ClinVar aggregate classification (germline): Uncertain significance (1 of 4 stars; one submission).

Conditions:
Immunodeficiency 82 with systemic inflammation. Identifiers: Orphanet 695807, MedGen C5543581, MONDO:0030308, OMIM 619381.

Allele frequency attached by ClinVar (database versions not stated): gnomAD 0.00001; gnomAD exomes below 0.00001; TOPMed 0.00002.
gnomAD v4.1: 18 of 1,613,928 alleles (0.0011%); highest among the groups gnomAD compares: Admixed American, 0.0067%; no homozygotes.

Submission:

Laboratorio de Genetica e Diagnostico Molecular, Hospital Israelita Albert Einstein
Classification: Uncertain significance for Immunodeficiency 82 with systemic inflammation. Last evaluated: 2021-10-29. Review status: criteria provided, single submitter. Criteria: ACMG Guidelines, 2015. Collection method: clinical testing. Allele origin: germline. Affected: yes.
Comment: ACMG classification criteria: PM2 moderate, BP4 supporting